The following is an entry in ClinVar:

ClinVar aggregate classification (germline): Benign/Likely benign. Review status: criteria provided, multiple submitters, no conflicts (2 of 4 stars). 5 submissions from 5 submitters: Benign (1); Likely benign (3). 1 of the submissions does not count toward it. Last evaluated 2026-01-15.

Conditions:
Diamond-Blackfan anemia. Also called: Blackfan Diamond syndrome; Aregenerative anemia chronic congenital; Red cell aplasia, pure hereditary; Congenital hypoplastic anemia; Aase syndrome. Identifiers: Orphanet 124, MedGen C1260899, MeSH D029503, MONDO:0015253, HP:0004810.
RPS10-related disorder. Also called: RPS10-related condition.
Diamond-Blackfan anemia 9 (DBA9). Also called: RPS10-Related Diamond-Blackfan Anemia. Identifiers: Orphanet 124, MedGen C2750081, MONDO:0013216, OMIM 613308.

Allele frequency attached by ClinVar (database versions not stated): gnomAD exomes below 0.00001 and 0.00002; ExAC 0.00003; gnomAD 0.00003 and 0.00004; TOPMed 0.00003.
gnomAD v4.1: 36 of 1,614,146 alleles (0.0022%); highest among the groups gnomAD compares: Middle Eastern, 0.016%; no homozygotes.

Submissions (5):

Labcorp Genetics (formerly Invitae), Labcorp
Classification: Benign for Diamond-Blackfan anemia. Last evaluated: 2026-01-15. Review status: criteria provided, single submitter. Criteria: Invitae Variant Classification Sherloc (09022015). Collection method: clinical testing. Allele origin: germline.

Blueprint Genetics
Classification: Likely benign. Last evaluated: 2024-10-15. Review status: criteria provided, single submitter. Criteria: ACMG Guidelines, 2015. Collection method: clinical testing. Allele origin: germline.

Fulgent Genetics
Classification: Likely benign for Diamond-Blackfan anemia 9. Last evaluated: 2022-02-24. Review status: criteria provided, single submitter. Criteria: ACMG Guidelines, 2015. Collection method: clinical testing. Allele origin: unknown.

Genetic Services Laboratory, University of Chicago
Classification: Likely benign. Last evaluated: 2018-11-07. Review status: criteria provided, single submitter. Criteria: ACMG Guidelines, 2015. Collection method: clinical testing. Allele origin: germline. Affected: no.

PreventionGenetics, part of Exact Sciences
Classification: Likely benign for RPS10-related condition. Last evaluated: 2019-08-15. Review status: no assertion criteria provided. Collection method: clinical testing. Allele origin: germline. Not counted in ClinVar's aggregate classification.
Comment: This variant is classified as likely benign based on ACMG/AMP sequence variant interpretation guidelines (Richards et al. 2015 PMID: 25741868, with internal and published modifications).

NM_001014.5(RPS10):c.204C>T (p.Tyr68=)

Genes: RPS10 (ribosomal protein S10; minus strand), RPS10-NUDT3 (RPS10-NUDT3 readthrough; minus strand). Cytogenetic location: 6p21.31.
Variant type: single nucleotide variant.
Coding change: c.204C>T on transcript NM_001014.5 (MANE Select); coding-DNA position 204, C replaced by T.
Protein change: p.Tyr68=; no amino-acid change (tyrosine 68 retained).
Molecular consequence: synonymous variant.
Genome position (GRCh38, 1-based): chr6:34,424,787, G>A on the plus strand (C>T on the coding strand, the complement: RPS10 is on the minus strand). VCF-style: chr6-34424787-G-A. GRCh37 (hg19) VCF-style: chr6-34392564-G-A.
Other names: c.204C>T (NM_001203245.2); c.204C>T, p.Tyr68= (NM_001202470.3, NM_001203245.3, NM_001204091.2).
Identifiers: ClinVar variation 463370 (VCV000463370.20), dbSNP rs368563040, ClinGen allele CA3765099.